The following is an entry in ClinVar:

ClinVar aggregate classification (germline): Uncertain significance. Review status: criteria provided, multiple submitters, no conflicts (2 of 4 stars). 2 submissions from 2 submitters: Uncertain significance (2). Last evaluated 2024-02-17.

Conditions:
Hereditary breast ovarian cancer syndrome. Also called: Breast and ovarian cancer; Hereditary breast and ovarian cancer; BRCA1- and BRCA2-Associated Hereditary Breast and Ovarian Cancer; Hereditary breast and/or ovarian cancer syndrome; Hereditary breast and ovarian cancer syndrome; Hereditary breast and ovarian cancer syndrome (HBOC). Identifiers: Orphanet 145, MedGen C0677776, MeSH D061325, MONDO:0003582. Disease mechanism: loss of function.

Submissions (2):

Labcorp Genetics (formerly Invitae), Labcorp
Classification: Uncertain significance for Hereditary breast ovarian cancer syndrome. Last evaluated: 2024-02-17. Review status: criteria provided, single submitter. Criteria: Invitae Variant Classification Sherloc (09022015). Collection method: clinical testing. Allele origin: germline.
Comment: This sequence change replaces leucine, which is neutral and non-polar, with serine, which is neutral and polar, at codon 3279 of the BRCA2 protein (p.Leu3279Ser). This variant is not present in population databases (gnomAD no frequency). This variant has not been reported in the literature in individuals affected with BRCA2-related conditions. ClinVar contains an entry for this variant (Variation ID: 439021). Advanced modeling of protein sequence and biophysical properties (such as structural, functional, and spatial information, amino acid conservation, physicochemical variation, residue mobility, and thermodynamic stability) performed at Invitae indicates that this missense variant is not expected to disrupt BRCA2 protein function with a negative predictive value of 95%. In summary, the available evidence is currently insufficient to determine the role of this variant in disease. Therefore, it has been classified as a Variant of Uncertain Significance.

Quest Diagnostics Nichols Institute San Juan Capistrano
Classification: Uncertain significance. Last evaluated: 2017-06-19. Review status: criteria provided, single submitter. Criteria: Quest Diagnostics criteria. Collection method: clinical testing. Allele origin: germline.

NM_000059.4(BRCA2):c.9836T>C (p.Leu3279Ser)

Gene: BRCA2 (BRCA2 DNA repair associated; plus strand). Cytogenetic location: 13q13.1.
Variant type: single nucleotide variant.
Coding change: c.9836T>C on transcript NM_000059.4 (MANE Select); coding-DNA position 9836, T replaced by C.
Protein change: p.Leu3279Ser; replaces leucine 3279 with serine.
Molecular consequence: missense variant.
Genome position (GRCh38, 1-based): chr13:32,398,349, T>C. VCF-style: chr13-32398349-T-C. GRCh37 (hg19) VCF-style: chr13-32972486-T-C.
Other names: short protein forms L3279S.
Identifiers: ClinVar variation 439021 (VCV000439021.4), dbSNP rs886040852, ClinGen allele CA387766376.